The following is an entry in ClinVar:

NM_000256.3(MYBPC3):c.81C>G (p.Ala27=)

Gene: MYBPC3 (myosin binding protein C3; minus strand). Cytogenetic location: 11p11.2.
Variant type: single nucleotide variant.
Coding change: c.81C>G on transcript NM_000256.3 (MANE Select); coding-DNA position 81, C replaced by G.
Protein change: p.Ala27=; no amino-acid change (alanine 27 retained).
Molecular consequence: synonymous variant.
Genome position (GRCh38, 1-based): chr11:47,351,450, G>C on the plus strand (C>G on the coding strand, the complement: MYBPC3 is on the minus strand). VCF-style: chr11-47351450-G-C. GRCh37 (hg19) VCF-style: chr11-47373001-G-C.
Identifiers: ClinVar variation 3075558 (VCV003075558.1), dbSNP rs761547225, ClinGen allele CA221709015.

ClinVar aggregate classification (germline): Likely benign (1 of 4 stars; one submission).

Conditions:
Hypertrophic cardiomyopathy. Also called: HYPERTROPHIC MYOCARDIOPATHY. Identifiers: Orphanet 217569, MedGen C0007194, MeSH D002312, MONDO:0005045, HP:0001639.

Submission:

All of Us Research Program, National Institutes of Health
Classification: Likely benign for Hypertrophic cardiomyopathy. Last evaluated: 2023-03-04. Review status: criteria provided, single submitter. Criteria: ACMG Guidelines, 2015. Collection method: clinical testing. Allele origin: germline. Inheritance: Autosomal dominant inheritance. Observed: 1 variant allele, 1 heterozygote.
Comment: This study involves interpretation of variants in research participants for the purpose of population health screening. Participant phenotype was not available at the time of variant classification. Additional details can be found in publication PMID: 35346344, PMCID: PMC8962531